The following is an entry in ClinVar:

NM_000059.4(BRCA2):c.9793T>A (p.Cys3265Ser)

Gene: BRCA2 (BRCA2 DNA repair associated; plus strand). Cytogenetic location: 13q13.1.
Variant type: single nucleotide variant.
Coding change: c.9793T>A on transcript NM_000059.4 (MANE Select); coding-DNA position 9793, T replaced by A.
Protein change: p.Cys3265Ser; replaces cysteine 3265 with serine.
Molecular consequence: missense variant.
Genome position (GRCh38, 1-based): chr13:32,398,306, T>A. VCF-style: chr13-32398306-T-A. GRCh37 (hg19) VCF-style: chr13-32972443-T-A.
Other names: c.9793T>A (NM_000059.3); short protein forms C3265S.
Identifiers: ClinVar variation 1036408 (VCV001036408.12), dbSNP rs587781543, ClinGen allele CA387766023.
Genomic context (GRCh38, chr13:32,398,306, plus strand): 5'-TCAGCCCAGATGACTTCAAAGTCTTGTAAAGGGGAGAAAGAGATTGATGACCAAAAGAAC[T>A]GCAAAAAGAGAAGAGCCTTGGATTTCTTGAGTAGACTGCCTTTACCTCCACCTGTTAGTC-3'
Protein context (NP_000050.3, residues 3255-3275): GEKEIDDQKN[Cys3265Ser]KKRRALDFLS

ClinVar aggregate classification (germline): Uncertain significance. Review status: criteria provided, multiple submitters, no conflicts (2 of 4 stars). 2 submissions from 2 submitters: Uncertain significance (2). Last evaluated 2025-06-25.

Conditions:
Hereditary breast ovarian cancer syndrome. Also called: Hereditary breast and ovarian cancer syndrome; Hereditary breast and ovarian cancer syndrome (HBOC); BRCA1- and BRCA2-Associated Hereditary Breast and Ovarian Cancer; Hereditary breast and ovarian cancer; Hereditary breast and/or ovarian cancer syndrome; Breast and ovarian cancer. Identifiers: Orphanet 145, MedGen C0677776, MeSH D061325, MONDO:0003582. Disease mechanism: loss of function.

Submissions (2):

Labcorp Genetics (formerly Invitae), Labcorp
Classification: Uncertain significance for Hereditary breast ovarian cancer syndrome. Last evaluated: 2025-06-25. Review status: criteria provided, single submitter. Criteria: Invitae Variant Classification Sherloc (09022015). Collection method: clinical testing. Allele origin: germline.
Comment: This sequence change replaces cysteine, which is neutral and slightly polar, with serine, which is neutral and polar, at codon 3265 of the BRCA2 protein (p.Cys3265Ser). This variant is not present in population databases (gnomAD no frequency). This variant has not been reported in the literature in individuals affected with BRCA2-related conditions. ClinVar contains an entry for this variant (Variation ID: 1036408). Invitae Evidence Modeling of protein sequence and biophysical properties (such as structural, functional, and spatial information, amino acid conservation, physicochemical variation, residue mobility, and thermodynamic stability) indicates that this missense variant is not expected to disrupt BRCA2 protein function with a negative predictive value of 95%. In summary, the available evidence is currently insufficient to determine the role of this variant in disease. Therefore, it has been classified as a Variant of Uncertain Significance.

GeneDx
Classification: Uncertain significance. Last evaluated: 2025-01-16. Review status: criteria provided, single submitter. Criteria: GeneDx Variant Classification Process June 2021. Collection method: clinical testing. Allele origin: germline. Affected: yes.
Comment: Not observed at significant frequency in large population cohorts (gnomAD); In silico analysis supports that this missense variant has a deleterious effect on protein structure/function; Has not been previously published as pathogenic or benign to our knowledge; Also known as 10021T>A; This variant is associated with the following publications: (PMID: 32377563, 29884841)